The following is an entry in ClinVar:

NM_138691.3(TMC1):c.1029+3A>G

Gene: TMC1 (transmembrane channel like 1; plus strand). Cytogenetic location: 9q21.13.
Variant type: single nucleotide variant.
Coding change: c.1029+3A>G on transcript NM_138691.3 (MANE Select); 3 bases into the intron after coding-DNA position 1029, A replaced by G.
Molecular consequence: intron variant.
Genome position (GRCh38, 1-based): chr9:72,788,486, A>G. VCF-style: chr9-72788486-A-G. GRCh37 (hg19) VCF-style: chr9-75403402-A-G.
Identifiers: ClinVar variation 805670 (VCV000805670.6), dbSNP rs1588083737, ClinGen allele CA915947500.
Genomic context (GRCh38, chr9:72,788,486, plus strand): 5'-GATCGGCAATCCTGAAACAGCAGACAACAAATTTAATTCTATCACAATGAACTTTAAGGT[A>G]GAGGCACCAACTTCAAAAACCTGCTGTTTGTATTTCTAAGAGTAAAATTGGAGGCATTCC-3'

ClinVar aggregate classification (germline): Uncertain significance. Review status: criteria provided, multiple submitters, no conflicts (2 of 4 stars). 3 submissions from 3 submitters: Uncertain significance (3). Last evaluated 2025-12-15.

Allele frequency attached by ClinVar (database versions not stated): gnomAD exomes below 0.00001; gnomAD 0.00001.
gnomAD v4.1: 5 of 1,613,876 alleles (0.00031%); highest among the groups gnomAD compares: African/African-American, 0.0013%; no homozygotes.

Submissions (3):

Labcorp Genetics (formerly Invitae), Labcorp
Classification: Uncertain significance. Last evaluated: 2025-12-15. Review status: criteria provided, single submitter. Criteria: Invitae Variant Classification Sherloc (09022015). Collection method: clinical testing. Allele origin: germline.
Comment: This sequence change falls in intron 14 of the TMC1 gene. It does not directly change the encoded amino acid sequence of the TMC1 protein. It affects a nucleotide within the consensus splice site. This variant is not present in population databases (gnomAD no frequency). This variant has been observed in individual(s) with deafness (internal data). ClinVar contains an entry for this variant (Variation ID: 805670). Variants that disrupt the consensus splice site are a relatively common cause of aberrant splicing (PMID: 17576681, 9536098). Algorithms developed to predict the effect of sequence changes on RNA splicing suggest that this variant may disrupt the consensus splice site. In summary, the available evidence is currently insufficient to determine the role of this variant in disease. Therefore, it has been classified as a Variant of Uncertain Significance.

GeneDx
Classification: Uncertain significance. Last evaluated: 2025-10-01. Review status: criteria provided, single submitter. Criteria: GeneDx Variant Classification Process June 2021. Collection method: clinical testing. Allele origin: germline. Affected: yes.
Comment: Not observed at significant frequency in large population cohorts (gnomAD); In-silico analysis is inconclusive as to whether the variant alters gene splicing. In the absence of RNA/functional studies, the actual effect of this sequence change is unknown.; Has not been previously published as pathogenic or benign to our knowledge

Athena Diagnostics
Classification: Uncertain significance. Last evaluated: 2019-03-04. Review status: criteria provided, single submitter. Criteria: Athena Diagnostics Criteria. Collection method: clinical testing. Allele origin: germline.

Literature cited by the submitters: PubMed 17576681 (cited by Labcorp Genetics (formerly Invitae), Labcorp); PubMed 9536098 (cited by Labcorp Genetics (formerly Invitae), Labcorp).